The following is an entry in ClinVar:

NM_001142864.4(PIEZO1):c.5507C>A (p.Ala1836Asp)

Gene: PIEZO1 (piezo type mechanosensitive ion channel component 1 (Er blood group); minus strand). Cytogenetic location: 16q24.3.
Variant type: single nucleotide variant.
Coding change: c.5507C>A on transcript NM_001142864.4 (MANE Select); coding-DNA position 5507, C replaced by A.
Protein change: p.Ala1836Asp; replaces alanine 1836 with aspartic acid.
Molecular consequence: missense variant.
Genome position (GRCh38, 1-based): chr16:88,721,327, G>T on the plus strand (C>A on the coding strand, the complement: PIEZO1 is on the minus strand). VCF-style: chr16-88721327-G-T. GRCh37 (hg19) VCF-style: chr16-88787735-G-T.
Other names: short protein forms A1836D.
Identifiers: ClinVar variation 1330406 (VCV001330406.7), dbSNP rs2142764441, ClinGen allele CA397090735.

ClinVar aggregate classification (germline): Uncertain significance (1 of 4 stars; one submission).

Allele frequency attached by ClinVar (database versions not stated): gnomAD exomes below 0.00001.
gnomAD v4.1: 3 of 1,546,752 alleles (0.00019%); highest among the groups gnomAD compares: Middle Eastern, 0.017%; no homozygotes.

Submission:

ARUP Laboratories, Molecular Genetics and Genomics, ARUP Laboratories
Classification: Uncertain significance. Last evaluated: 2020-10-28. Review status: criteria provided, single submitter. Criteria: ARUP Molecular Germline Variant Investigation Process 2021. Collection method: clinical testing. Allele origin: germline.
Comment: The PIEZO1 c.5507C>A; p.Ala1836Asp variant, to our knowledge, is not reported in the medical literature or in gene specific databases. It is also absent from the general population databases (Exome Variant Server and Genome Aggregation Database), indicating it is not a common polymorphism. The alanine at codon 1836 is weakly conserved, and computational analyses predict that this variant is neutral (REVEL: 0.123). Due to limited information, the clinical significance of the p.Ala1836Asp variant is uncertain at this time.